The following is an entry in ClinVar:

NM_012463.4(ATP6V0A2):c.826-89GA[3]

Gene: ATP6V0A2 (ATPase H+ transporting V0 subunit a2; plus strand). Cytogenetic location: 12q24.31.
Variant type: Microsatellite.
Coding change: c.826-89GA[3] on transcript NM_012463.4 (MANE Select); three copies in a row of the 2-base unit GA starting at c.826-89; the reference has two copies in a row; one copy, 2 bases duplicated.
Molecular consequence: intron variant.
Genome position (GRCh38, 1-based): chr12:123,736,972-123,736,973, GA duplicated; duplicating any 2 consecutive bases within chr12:123,736,970-123,736,973 gives the same sequence; the position shown is the placement nearest the transcript's 3' end. VCF-style (leftmost placement, unchanged base first): chr12-123736969-G-GGA. GRCh37 (hg19) VCF-style: chr12-124221516-G-GGA.
Identifiers: ClinVar variation 2430837 (VCV002430837.1), dbSNP rs146025405, ClinGen allele CA245197370.

ClinVar aggregate classification (germline): Likely benign (1 of 4 stars; one submission).

Submission:

GeneDx
Classification: Likely benign. Last evaluated: 2020-10-22. Review status: criteria provided, single submitter. Criteria: GeneDx Variant Classification Process June 2021. Collection method: clinical testing. Allele origin: germline. Affected: yes.
Comment: See Variant Classification Assertion Criteria.